The following is an entry in ClinVar:

ClinVar aggregate classification (germline): Uncertain significance (1 of 4 stars; one submission).

Conditions:
Autoimmune lymphoproliferative syndrome, type III caused by mutation in PRKCD. Identifiers: Orphanet 3261, Orphanet 664711, MedGen C3809928, MONDO:8000024, OMIM 615559.

gnomAD v4.1: 2 of 1,614,106 alleles (0.00012%); highest among the groups gnomAD compares: Non-Finnish European, 0.00017%; no homozygotes.

Submission:

Labcorp Genetics (formerly Invitae), Labcorp
Classification: Uncertain significance for Autoimmune lymphoproliferative syndrome, type III caused by mutation in PRKCD. Last evaluated: 2024-12-12. Review status: criteria provided, single submitter. Criteria: Invitae Variant Classification Sherloc (09022015). Collection method: clinical testing. Allele origin: germline.
Comment: This sequence change replaces proline, which is neutral and non-polar, with leucine, which is neutral and non-polar, at codon 230 of the PRKCD protein (p.Pro230Leu). This variant is present in population databases (no rsID available, gnomAD 0.007%). This variant has not been reported in the literature in individuals affected with PRKCD-related conditions. An algorithm developed to predict the effect of missense changes on protein structure and function (PolyPhen-2) suggests that this variant is likely to be disruptive. In summary, the available evidence is currently insufficient to determine the role of this variant in disease. Therefore, it has been classified as a Variant of Uncertain Significance.

NM_006254.4(PRKCD):c.689C>T (p.Pro230Leu)

Gene: PRKCD (protein kinase C delta; plus strand). Cytogenetic location: 3p21.1.
Variant type: single nucleotide variant.
Coding change: c.689C>T on transcript NM_006254.4 (MANE Select); coding-DNA position 689, C replaced by T.
Protein change: p.Pro230Leu; replaces proline 230 with leucine.
Molecular consequence: missense variant.
Genome position (GRCh38, 1-based): chr3:53,183,483, C>T. VCF-style: chr3-53183483-C-T. GRCh37 (hg19) VCF-style: chr3-53217499-C-T.
Other names: c.689C>T, p.Pro230Leu (NM_001316327.2, NM_001354679.2, NM_001354680.2 and 1 more transcripts); c.746C>T, p.Pro249Leu (NM_001354676.2); c.737C>T, p.Pro246Leu (NM_001354678.2); short protein forms P246L, P230L, P249L.
Identifiers: ClinVar variation 3696611 (VCV003696611.2).
Genomic context (GRCh38, chr3:53,183,483, plus strand): 5'-CCCTCAGCCTGTGATACCCCCACCTCCAGTTCCAGAAAGAACGCTTCAACATCGACATGC[C>T]GCACCGCTTCAAGGTTCACAACTACATGAGCCCCACCTTCTGTGACCACTGCGGCAGCCT-3'
Protein context (NP_006245.2, residues 220-240): FQKERFNIDM[Pro230Leu]HRFKVHNYMS